The following is an entry in ClinVar:

NM_000236.3(LIPC):c.164_165del (p.Phe55fs)

Gene: LIPC (lipase C, hepatic type; plus strand). Cytogenetic location: 15q21.3.
Variant type: Deletion.
Coding change: c.164_165del on transcript NM_000236.3 (MANE Select); coding-DNA positions 164 to 165, 2 bases deleted (TT; older notation c.164_165delTT).
Protein change: p.Phe55fs; shifts the reading frame from phenylalanine 55.
Molecular consequence: frameshift variant.
Genome position (GRCh38, 1-based): chr15:58,538,408-58,538,409, TT deleted; deleting any 2 consecutive bases within chr15:58,538,407-58,538,409 gives the same sequence; the c. name uses the placement nearest the transcript's 3' end. VCF-style (leftmost placement, unchanged base first): chr15-58538406-CTT-C. GRCh37 (hg19) VCF-style: chr15-58830605-CTT-C.
Other names: short protein forms F55fs.
Identifiers: ClinVar variation 4780165 (VCV004780165.1).

ClinVar aggregate classification (germline): Uncertain significance (1 of 4 stars; one submission).

Submission:

Labcorp Genetics (formerly Invitae), Labcorp
Classification: Uncertain significance. Last evaluated: 2025-06-11. Review status: criteria provided, single submitter. Criteria: Invitae Variant Classification Sherloc (09022015). Collection method: clinical testing. Allele origin: germline.
Comment: This sequence change creates a premature translational stop signal (p.Phe55Trpfs*146) in the LIPC gene. It is expected to result in an absent or disrupted protein product. However, the current clinical and genetic evidence is not sufficient to establish whether loss-of-function variants in LIPC cause disease. This variant is present in population databases (rs776917225, gnomAD 0.0009%). This premature translational stop signal has been observed in individual(s) with dyslipidemia (PMID: 36325899). In summary, the available evidence is currently insufficient to determine the role of this variant in disease. Therefore, it has been classified as a Variant of Uncertain Significance.

Literature cited by the submitters: PubMed 36325899.